The following is an entry in ClinVar:

ClinVar aggregate classification (germline): Likely benign. Review status: criteria provided, single submitter (1 of 4 stars). 2 submissions from 2 submitters: Likely benign (1). 1 of the submissions does not count toward it. Last evaluated 2023-02-24.

Conditions:
PSEN2-related disorder. Also called: PSEN2-related condition.

Allele frequency attached by ClinVar (database versions not stated): gnomAD exomes 0.00001.

Submissions (2):

Blueprint Genetics
Classification: Likely benign. Last evaluated: 2023-02-24. Review status: criteria provided, single submitter. Criteria: ACMG Guidelines, 2015. Collection method: clinical testing. Allele origin: germline.

PreventionGenetics, part of Exact Sciences
Classification: Likely benign for PSEN2-related condition. Last evaluated: 2020-04-07. Review status: no assertion criteria provided. Collection method: clinical testing. Allele origin: germline. Not counted in ClinVar's aggregate classification.
Comment: This variant is classified as likely benign based on ACMG/AMP sequence variant interpretation guidelines (Richards et al. 2015 PMID: 25741868, with internal and published modifications).

NM_000447.3(PSEN2):c.1272C>T (p.Leu424=)

Gene: PSEN2 (presenilin 2; plus strand). Cytogenetic location: 1q42.13.
Variant type: single nucleotide variant.
Coding change: c.1272C>T on transcript NM_000447.3 (MANE Select); coding-DNA position 1272, C replaced by T.
Protein change: p.Leu424=; no amino-acid change (leucine 424 retained).
Molecular consequence: synonymous variant.
Genome position (GRCh38, 1-based): chr1:226,895,504, C>T. VCF-style: chr1-226895504-C-T. GRCh37 (hg19) VCF-style: chr1-227083205-C-T.
Other names: c.1269C>T, p.Leu423= (NM_012486.3).
Identifiers: ClinVar variation 3055236 (VCV003055236.3), dbSNP rs1553269834, ClinGen allele CA423520772.